The following is an entry in ClinVar:

NM_001371928.1(AHDC1):c.4021T>G (p.Cys1341Gly)

Gene: AHDC1 (AT-hook DNA binding motif containing 1; minus strand). Cytogenetic location: 1p36.11.
Variant type: single nucleotide variant.
Coding change: c.4021T>G on transcript NM_001371928.1 (MANE Select); coding-DNA position 4021, T replaced by G.
Protein change: p.Cys1341Gly; replaces cysteine 1341 with glycine.
Molecular consequence: missense variant.
Genome position (GRCh38, 1-based): chr1:27,548,095, A>C on the plus strand (T>G on the coding strand, the complement: AHDC1 is on the minus strand). VCF-style: chr1-27548095-A-C. GRCh37 (hg19) VCF-style: chr1-27874606-A-C.
Other names: c.4021T>G (NM_001029882.2); c.4021T>G, p.Cys1341Gly (NM_001029882.3); short protein forms C1341G.
Identifiers: ClinVar variation 711822 (VCV000711822.39), dbSNP rs111941243, ClinGen allele CA715449.

ClinVar aggregate classification (germline): Benign/Likely benign. Review status: criteria provided, multiple submitters, no conflicts (2 of 4 stars). 8 submissions from 8 submitters: Benign (2); Likely benign (5). 1 of the submissions does not count toward it. Last evaluated 2026-01-09.

Conditions:
AHDC1-related intellectual disability - obstructive sleep apnea - mild dysmorphism syndrome. Also called: Xia-Gibbs syndrome. Identifiers: Orphanet 412069, MedGen C4014419, MONDO:0014358, OMIM 615829.
Inborn genetic diseases. Identifiers: MedGen C0950123, MeSH D030342.
AHDC1-related disorder. Also called: AHDC1-related condition.

Allele frequency attached by ClinVar (database versions not stated): ExAC 0.00066; ESP Exome Variant Server 0.00138; gnomAD 0.00139 and 0.00145; TOPMed 0.00152; 1000 Genomes Project 30x 0.00281; 1000 Genomes Project 0.00319.
gnomAD v4.1: 524 of 1,613,924 alleles (0.032%); highest among the groups gnomAD compares: African/African-American, 0.55%; 5 homozygotes.

Submissions (9):

Labcorp Genetics (formerly Invitae), Labcorp
Classification: Likely benign. Last evaluated: 2026-01-09. Review status: criteria provided, single submitter. Criteria: Invitae Variant Classification Sherloc (09022015). Collection method: clinical testing. Allele origin: germline.

Blueprint Genetics
Classification: Likely benign. Last evaluated: 2024-11-01. Review status: criteria provided, single submitter. Criteria: ACMG Guidelines, 2015. Collection method: clinical testing. Allele origin: germline.

Ambry Genetics
Classification: Likely benign for Inborn genetic diseases. Last evaluated: 2024-10-04. Review status: criteria provided, single submitter. Criteria: Ambry Variant Classification Scheme 2023. Collection method: clinical testing. Allele origin: germline.

CeGaT Center for Human Genetics Tuebingen
Classification: Likely benign. Last evaluated: 2024-08-01. Review status: criteria provided, single submitter. Criteria: CeGaT Center For Human Genetics Tuebingen Variant Classification Criteria Version 2. Collection method: clinical testing. Allele origin: germline. Affected: yes. Observed: 2 variant alleles.
Comment: AHDC1: BS1

Genome-Nilou Lab
Classification: Benign for AHDC1-related intellectual disability - obstructive sleep apnea - mild dysmorphism syndrome. Last evaluated: 2021-12-05. Review status: criteria provided, single submitter. Criteria: ACMG Guidelines, 2015. Collection method: clinical testing. Allele origin: germline. Affected: no.

GeneDx
Classification: Benign. Last evaluated: 2019-07-24. Review status: criteria provided, single submitter. Criteria: GeneDx Variant Classification Process June 2021. Collection method: clinical testing. Allele origin: germline. Affected: yes.

Breakthrough Genomics
Classification: Likely benign. Review status: criteria provided, single submitter. Criteria: ACMG Guidelines, 2015. Collection method: not provided. Allele origin: germline. Inheritance: Autosomal dominant inheritance. Affected: yes.

PreventionGenetics, part of Exact Sciences
Classification: Benign for AHDC1-related condition. Last evaluated: 2019-09-05. Review status: no assertion criteria provided. Collection method: clinical testing. Allele origin: germline. Not counted in ClinVar's aggregate classification.
Comment: This variant is classified as benign based on ACMG/AMP sequence variant interpretation guidelines (Richards et al. 2015 PMID: 25741868, with internal and published modifications).

Dr. Peter K. Rogan Lab, Western University
No classification provided (evidence only). Condition: Thyroid cancer, nonmedullary, 1. Review status: no classification provided. Collection method: in vitro. Allele origin: not applicable. Functional consequence: retained intron. Not counted in ClinVar's aggregate classification.